The following is an entry in ClinVar:

NM_006759.4(UGP2):c.34A>G (p.Met12Val)

Gene: UGP2 (UDP-glucose pyrophosphorylase 2; plus strand). Cytogenetic location: 2p15.
Variant type: single nucleotide variant.
Coding change: c.34A>G on transcript NM_006759.4 (MANE Select); coding-DNA position 34, A replaced by G.
Protein change: p.Met12Val; replaces methionine 12 with valine.
Molecular consequence: missense variant. On other transcripts: initiator codon variant (3), 5 prime UTR variant (3), intron variant (1).
Genome position (GRCh38, 1-based): chr2:63,856,320, A>G. VCF-style: chr2-63856320-A-G. GRCh37 (hg19) VCF-style: chr2-64083454-A-G.
Other names: p.Met12Val; c.1A>G, p.Met1Val (NM_001001521.2, NM_001377524.1, NM_001377525.1); c.-496A>G (NM_001377526.1, NM_001377529.1); c.-415A>G (NM_001377528.1); c.-106+15088A>G (NM_001377527.1); c.1A>G (NM_001001521.1); short protein forms M1V, M12V.
Identifiers: ClinVar variation 805980 (VCV000805980.26), dbSNP rs768305634, ClinGen allele CA1683098.

ClinVar aggregate classification (germline): Pathogenic/Likely pathogenic. Review status: criteria provided, multiple submitters, no conflicts (2 of 4 stars). 12 submissions from 12 submitters: Pathogenic (9); Likely pathogenic (2). 1 of the submissions does not count toward it. Last evaluated 2025-12-08.

Conditions:
D-6618.
Developmental and epileptic encephalopathy, 83. Also called: EPILEPTIC ENCEPHALOPATHY, EARLY INFANTILE, 83; BARAKAT-PERENTHALER SYNDROME. Identifiers: MedGen C5231487, MONDO:0032895, OMIM 618744.
UGP2-related disorder. Also called: UGP2-related condition.

Allele frequency attached by ClinVar (database versions not stated): TOPMed below 0.00001; gnomAD 0.00001 and 0.00003; gnomAD exomes 0.00004 and 0.00006; ExAC 0.00007.

Submissions (12):

PreventionGenetics, part of Exact Sciences
Classification: Pathogenic for UGP2-related condition. Last evaluated: 2025-12-08. Review status: criteria provided, single submitter. Criteria: ACMG Guidelines, 2015. Collection method: clinical testing. Allele origin: germline.
Comment: The UGP2 c.1A>G variant is predicted to disrupt the translation initiation site (Start loss). This variant has been reported in the homozygous state in many individuals with epileptic encephalopathy (Reported as chr2:64083454A>G in Perenthaler et al. 2019. PubMed ID: 31820119). This variant is reported in 0.040% of alleles in individuals of South Asian descent in gnomAD. An in vitro experimental study suggests this variant causes a disruption of the initiation codon of the shorter UGP2 isoform, which is primarily expressed in the brain, leading to altered glycogen metabolism and premature neuronal differentiation (Perenthaler et al. 2019. PubMed ID: 31820119). This variant is interpreted as pathogenic.

Dubai Health Genomic Medicine Center, Dubai Health
Classification: Pathogenic for Developmental and epileptic encephalopathy 83. Last evaluated: 2024-10-04. Review status: criteria provided, single submitter. Criteria: ACMG Guidelines, 2015. Collection method: research. Allele origin: germline. Affected: yes.
Comment: PS3,PP1,PM3(strong),PM2,PP3

3billion
Classification: Pathogenic for Developmental and epileptic encephalopathy, 83. Last evaluated: 2023-12-08. Review status: criteria provided, single submitter. Criteria: ACMG Guidelines, 2015. Collection method: clinical testing. Allele origin: germline. Affected: yes.
Comment: The variant is observed at an extremely low frequency in the gnomAD v2.1.1 dataset (total allele frequency: 0.005%). Predicted Consequence/Location: Missense changes are a common disease-causing mechanism. Functional studies provide moderate evidence of the variant having a damaging effect on the gene or gene product (PMID: 31820119). In silico tool predictions suggest no damaging effect of the variant on gene or gene product [REVEL: 0.17 (<0.4); 3Cnet: 0.06 (<0.15, specificity 0.78 and negative predicitive value 0.92)]. Same nucleotide change resulting in same amino acid change has been previously reported as pathogenic/likely pathogenic with strong evidence (ClinVar ID: VCV000805980 /PMID: 31820119).The variant has been reported to be in trans with a pathogenic variant as either compound heterozygous or homozygous in at least 2 similarly affected unrelated individuals (PMID: 31820119). Therefore, this variant is classified as Pathogenic according to the recommendation of ACMG/AMP guideline.

Institute of Medical Genetics and Genomics, Sir Ganga Ram Hospital
Classification: Pathogenic for Developmental and epileptic encephalopathy, 83. Last evaluated: 2023-10-19. Review status: criteria provided, single submitter. Criteria: ACMG Guidelines, 2015. Collection method: clinical testing. Allele origin: germline. Inheritance: Autosomal recessive inheritance. Affected: yes. Observed: 1 homozygote.
Comment: This nucleotide change has an allele frequency of 0.0053% in gnomAD aggregate database [PM2]. This variant has a clinvar entry with Pathogenic/Likely Pathogenic interpretation by multiple submitter [PP5]. Clinvar variation ID: 805980. PMID: 31820119. Based on available evidence the variant is classified as "Pathogenic".

Baylor Genetics
Classification: Pathogenic for Developmental and epileptic encephalopathy, 83. Last evaluated: 2023-03-29. Review status: criteria provided, single submitter. Criteria: ACMG Guidelines, 2015. Collection method: clinical testing. Allele origin: unknown.

Labcorp Genetics (formerly Invitae), Labcorp
Classification: Pathogenic. Last evaluated: 2022-08-18. Review status: criteria provided, single submitter. Criteria: Invitae Variant Classification Sherloc (09022015). Collection method: clinical testing. Allele origin: germline.
Comment: This sequence change replaces methionine, which is neutral and non-polar, with valine, which is neutral and non-polar, at codon 12 of the UGP2 protein (p.Met12Val). This variant is present in population databases (rs768305634, gnomAD 0.04%). This missense change has been observed in individuals with clinical features of UGP2-related developmental and epileptic encephalopathy (PMID: 31820119; Invitae). It has also been observed to segregate with disease in related individuals. ClinVar contains an entry for this variant (Variation ID: 805980). Algorithms developed to predict the effect of missense changes on protein structure and function (SIFT, PolyPhen-2, Align-GVGD) all suggest that this variant is likely to be tolerated. Experimental studies have shown that this missense change affects UGP2 function (PMID: 31820119). For these reasons, this variant has been classified as Pathogenic.

Department of Genetics, Sultan Qaboos University Hospital
Classification: Pathogenic for Developmental and epileptic encephalopathy 83. Last evaluated: 2022-06-30. Review status: criteria provided, single submitter. Criteria: ACMG Guidelines, 2015. Collection method: clinical testing. Allele origin: germline.

Undiagnosed Diseases Network, NIH
Classification: Likely pathogenic for Developmental and epileptic encephalopathy, 83. Last evaluated: 2021-05-19. Review status: criteria provided, single submitter. Criteria: ACMG Guidelines, 2015. Collection method: clinical testing. Allele origin: inherited. Inheritance: Autosomal recessive inheritance. Affected: yes. Observed: 1 variant allele, 1 homozygote. Study: Undiagnosed Diseases Network (NIH), UDN.

Victorian Clinical Genetics Services, Murdoch Childrens Research Institute
Classification: Pathogenic for Developmental and epileptic encephalopathy, 83. Last evaluated: 2021-05-06. Review status: criteria provided, single submitter. Criteria: ACMG Guidelines, 2015. Collection method: clinical testing. Allele origin: germline. Inheritance: Autosomal recessive inheritance. Affected: yes.
Comment: Based on the classification scheme VCGS_Germline_v1.3.4, this variant is classified as Pathogenic. Following criteria are met: 0106 - This gene is associated with autosomal recessive disease. (I) 0206 - Variant is predicted to result in a loss of the canonical translation initiation codon (ATG). (SP) 0252 - This variant is homozygous. (I) 0304 - Variant is present in gnomAD (v2) <0.01 for a recessive condition (15 heterozygotes, 0 homozygotes). (SP) 0705 - No comparable variants have previous evidence for pathogenicity. (I) 0801 - This variant has strong previous evidence of pathogenicity in unrelated individuals. This variant has been reported in 22 individuals from 15 families (PMID: 31820119). (SP) 1002 - This variant has moderate functional evidence supporting abnormal protein function. The absence of the shorter isoform leads to a reduction of functional UGP2 enzyme in neural stem cells and leads to altered glycogen metabolims (PMID: 31820119). (SP) 1102 - Strong phenotype match for this individual. (I) Legend: (SP) - Supporting pathogenic, (I) - Information, (SB) - Supporting benign

Foundation for Research in Genetics and Endocrinology, FRIGE's Institute of Human Genetics
Classification: Likely pathogenic for D-6618. Review status: criteria provided, single submitter. Criteria: ACMG Guidelines, 2015. Collection method: clinical testing. Allele origin: germline. Inheritance: Autosomal recessive inheritance. Affected: yes. Observed: 1 homozygote.
Comment: Homozygous missense variation in exon 2 of UGP2 gene that result in the amino acid substitution of caline for methionine at codon 21 was detected. The in silico prediction of the variant is benign by PolyPhen-2 (HumDiv), SIFT, LRT and MutationTaster2. The reference codon is conserved across species. In summary, the variant meets our criteria to be classified as a variant of uncertain significance.

Neuberg Centre For Genomic Medicine, NCGM
Classification: Pathogenic for Developmental and epileptic encephalopathy, 83. Review status: criteria provided, single submitter. Criteria: ACMG Guidelines, 2015. Collection method: clinical testing. Allele origin: germline. Affected: yes.
Comment: The missense variant p.M12V in UGP2 (NM_006759.3) has been previously reported as a recurrent homozygous mutation in similarly affected patients (Perenthaler E et al). The variant causes a disruption of the start codon of the shorter isoform, which is predominant in brain and hence leads to disease as proved by functional studies on zebrafish (Perenthaler E et al). The p.M12V variant is observed in 12/30,282 (0.0396%) alleles from individuals of South Asian background in gnomAD Exomes and is novel (not in any individuals) in 1000 Genomes. It has been submiited to ClinVar as Pathogenic. For these reasons, this variant has been classified as Pathogenic.

OMIM
Classification: Pathogenic for DEVELOPMENTAL AND EPILEPTIC ENCEPHALOPATHY 83. Last evaluated: 2020-10-21. Review status: no assertion criteria provided. Collection method: literature only. Allele origin: germline. Not counted in ClinVar's aggregate classification.

Literature cited by the submitters: PubMed 31820119 (cited by 5 submitters).